The following is an entry in ClinVar:

ClinVar aggregate classification (germline): Pathogenic (1 of 4 stars; one submission).

Conditions:
Neurofibromatosis, type 1 (NF1). Also called: Neurofibromatosis, type I; VON RECKLINGHAUSEN DISEASE; NEUROFIBROMATOSIS, TYPE I, SOMATIC; Peripheral type neurofibromatosis. Identifiers: Orphanet 636, MedGen C0027831, MONDO:0018975, OMIM 162200. Disease mechanism: loss of function.

Submission:

Labcorp Genetics (formerly Invitae), Labcorp
Classification: Pathogenic for Neurofibromatosis, type 1. Last evaluated: 2021-06-18. Review status: criteria provided, single submitter. Criteria: Invitae Variant Classification Sherloc (09022015). Collection method: clinical testing. Allele origin: germline.
Comment: For these reasons, this variant has been classified as Pathogenic. This variant disrupts the p.Lys1423 amino acid residue in NF1. Other variant(s) that disrupt this residue have been determined to be pathogenic (PMID: 31595648, 8264648, Invitae). This suggests that this residue is clinically significant, and that variants that disrupt this residue are likely to be disease-causing. This variant has not been reported in the literature in individuals with NF1-related conditions. This variant is not present in population databases (ExAC no frequency). This variant results in the deletion of part of exon 31 (c.4240_4270-241delinsGGA) of the NF1 gene. It is expected to disrupt RNA splicing. Variants that disrupt the donor or acceptor splice site typically lead to a loss of protein function (PMID: 16199547), and loss-of-function variants in NF1 are known to be pathogenic (PMID: 10712197, 23913538).

Literature cited by the submitters: PubMed 31595648; PubMed 8264648; PubMed 16199547; PubMed 10712197; PubMed 23913538.

NM_001042492.3(NF1):c.4303_4333-241delinsGGA

Gene: NF1 (neurofibromin 1; plus strand). Cytogenetic location: 17q11.2.
Variant type: Indel.
Coding change: c.4303_4333-241delinsGGA on transcript NM_001042492.3 (MANE Select); coding-DNA position 4303 through 241 bases into the intron before coding-DNA position 4333, the reference bases replaced by GGA.
Molecular consequence: splice donor variant.
Genome position (GRCh38, 1-based): chr17:31,258,473-31,258,791, 319 bases replaced. GRCh37 (hg19): chr17:29,585,491-29,585,809.
Other names: c.4240_4270-241delinsGGA (NM_000267.4).
Identifiers: ClinVar variation 1456798 (VCV001456798.6), dbSNP rs2151462146, ClinGen allele CA2573153612.